The following is an entry in ClinVar:

NM_001378609.3(OTOGL):c.2391-12T>C

Gene: OTOGL (otogelin like; plus strand). Cytogenetic location: 12q21.31.
Variant type: single nucleotide variant.
Coding change: c.2391-12T>C on transcript NM_001378609.3 (MANE Select); 12 bases into the intron before coding-DNA position 2391, T replaced by C.
Molecular consequence: intron variant.
Genome position (GRCh38, 1-based): chr12:80,267,241, T>C. VCF-style: chr12-80267241-T-C. GRCh37 (hg19) VCF-style: chr12-80661021-T-C.
Other names: c.2391-12T>C (NM_001368062.3, NM_001378610.3, NM_173591.7).
Identifiers: ClinVar variation 227814 (VCV000227814.5), dbSNP rs876657560, ClinGen allele CA10576931.
Genomic context (GRCh38, chr12:80,267,241, plus strand): 5'-CAAGGTCAGCTTGAATTTTAGTGGTTTTTGAAAAAAATTGTATCCTATTTACTTTACTTT[T>C]TCTTCGTATAGATTCCACTGCCGTTGTCATTATAGGGGCAGTGTTTATCAACCTGGAGAG-3'

ClinVar aggregate classification (germline): Likely benign (1 of 4 stars; one submission).

Allele frequency attached by ClinVar (database versions not stated): gnomAD exomes below 0.00001.
gnomAD v4.1: 2 of 1,495,890 alleles (0.00013%); highest among the groups gnomAD compares: South Asian, 0.0012%; no homozygotes.

Submission:

Laboratory for Molecular Medicine, Mass General Brigham Personalized Medicine
Classification: Likely benign. Last evaluated: 2015-04-30. Review status: criteria provided, single submitter. Criteria: LMM Criteria. Collection method: clinical testing. Allele origin: germline. Observed: 1 variant allele.
Comment: c.2364-12T>C in intron 20 of OTOGL: This variant is not expected to have clinica l significance because a T>C change at this position does not diverge from the s plice consensus sequence and is therefore unlikely to impact splicing.